The following is an entry in ClinVar:

ClinVar aggregate classification (germline): Uncertain significance (1 of 4 stars; one submission).

Allele frequency attached by ClinVar (database versions not stated): TOPMed below 0.00001.
gnomAD v4.1: 4 of 1,600,302 alleles (0.00025%); highest among the groups gnomAD compares: Non-Finnish European, 0.00034%; no homozygotes.

Submission:

GeneDx
Classification: Uncertain significance. Last evaluated: 2019-12-31. Review status: criteria provided, single submitter. Criteria: GeneDx Variant Classification Process June 2021. Collection method: clinical testing. Allele origin: germline. Affected: yes.
Comment: Not observed at a significant frequency in large population cohorts (Lek et al., 2016); In silico analysis, which includes protein predictors and evolutionary conservation, supports that this variant does not alter protein structure/function; Has not been previously published as pathogenic or benign to our knowledge

NM_001376.5(DYNC1H1):c.145C>G (p.Pro49Ala)

Gene: DYNC1H1 (dynein cytoplasmic 1 heavy chain 1; plus strand). Cytogenetic location: 14q32.31.
Variant type: single nucleotide variant.
Coding change: c.145C>G on transcript NM_001376.5 (MANE Select); coding-DNA position 145, C replaced by G.
Protein change: p.Pro49Ala; replaces proline 49 with alanine.
Molecular consequence: missense variant.
Genome position (GRCh38, 1-based): chr14:101,964,836, C>G. VCF-style: chr14-101964836-C-G. GRCh37 (hg19) VCF-style: chr14-102431173-C-G.
Other names: short protein forms P49A.
Identifiers: ClinVar variation 1311609 (VCV001311609.2), dbSNP rs1402375700, ClinGen allele CA391003437.